The following is an entry in ClinVar:

ClinVar aggregate classification (germline): Benign. Review status: criteria provided, multiple submitters, no conflicts (2 of 4 stars). 5 submissions from 5 submitters: Benign (5). Last evaluated 2026-02-02.

Conditions:
Congenital muscular dystrophy due to partial LAMA2 deficiency. Identifiers: MedGen C1842898.
LAMA2-related muscular dystrophy (LAMA2-RD). Also called: Laminin alpha 2-related dystrophy. Identifiers: MedGen C5679788, MONDO:0100228.

Allele frequency attached by ClinVar (database versions not stated): gnomAD exomes 0.00652; ExAC 0.00813; gnomAD 0.02603 and 0.02805; TOPMed 0.02906; ESP Exome Variant Server 0.02946; 1000 Genomes Project 0.03055; 1000 Genomes Project 30x 0.03123.
gnomAD v4.1: 7,305 of 1,591,668 alleles (0.46%); highest among the groups gnomAD compares: African/African-American, 8.7%; 303 homozygotes.

Submissions (5):

Labcorp Genetics (formerly Invitae), Labcorp
Classification: Benign for LAMA2-related muscular dystrophy. Last evaluated: 2026-02-02. Review status: criteria provided, single submitter. Criteria: Invitae Variant Classification Sherloc (09022015). Collection method: clinical testing. Allele origin: germline.

Mayo Clinic Laboratories, Mayo Clinic
Classification: Benign. Last evaluated: 2019-04-24. Review status: criteria provided, single submitter. Criteria: ACMG Guidelines, 2015. Collection method: clinical testing. Allele origin: germline. Observed: 37 variant alleles.

Illumina Laboratory Services, Illumina
Classification: Benign for Congenital muscular dystrophy due to partial LAMA2 deficiency. Last evaluated: 2018-01-12. Review status: criteria provided, single submitter. Criteria: ICSL Variant Classification Criteria 13 December 2019. Collection method: clinical testing. Allele origin: germline.
Comment: This variant was observed in the ICSL laboratory as part of a predisposition screen in an ostensibly healthy population. It had not been previously curated by ICSL or reported in the Human Gene Mutation Database (HGMD: prior to June 1st, 2018), and was therefore a candidate for classification through an automated scoring system. Utilizing variant allele frequency, disease prevalence and penetrance estimates, and inheritance mode, an automated score was calculated to assess if this variant is too frequent to cause the disease. Based on the score and internal cut-off values, a variant classified as benign is not then subjected to further curation. The score for this variant resulted in a classification of benign for this disease.

Athena Diagnostics
Classification: Benign. Last evaluated: 2017-11-20. Review status: criteria provided, single submitter. Criteria: Athena Diagnostics Criteria. Collection method: clinical testing. Allele origin: germline.

GeneDx
Classification: Benign. Last evaluated: 2016-03-21. Review status: criteria provided, single submitter. Criteria: GeneDx Variant Classification (06012015). Collection method: clinical testing. Allele origin: germline. Affected: yes.
Comment: This variant is considered likely benign or benign based on one or more of the following criteria: it is a conservative change, it occurs at a poorly conserved position in the protein, it is predicted to be benign by multiple in silico algorithms, and/or has population frequency not consistent with disease.

NM_000426.4(LAMA2):c.6274+4C>T

Gene: LAMA2 (laminin subunit alpha 2; plus strand). Cytogenetic location: 6q22.33.
Variant type: single nucleotide variant.
Coding change: c.6274+4C>T on transcript NM_000426.4 (MANE Select); 4 bases into the intron after coding-DNA position 6274, C replaced by T.
Molecular consequence: intron variant.
Genome position (GRCh38, 1-based): chr6:129,443,072, C>T. VCF-style: chr6-129443072-C-T. GRCh37 (hg19) VCF-style: chr6-129764217-C-T.
Other names: p.?; c.6274+4C>T (NM_001079823.2).
Identifiers: ClinVar variation 355286 (VCV000355286.17), dbSNP rs73775410, ClinGen allele CA3994199.
Genomic context (GRCh38, chr6:129,443,072, plus strand): 5'-CATGAATTTATAATTTTTTTTTGTTTTGCTTCCATGTGAAATTGCCTGCAGAAATCAGTA[C>T]GTATATGTTTACTTATATACCTTTTAGTAACGCTCATGCTTCATTGCCTATTGCAAAAAG-3'